The following is an entry in ClinVar:

NM_001378457.1(DMXL2):c.399G>T (p.Gln133His)

Gene: DMXL2 (Dmx like 2; minus strand). Cytogenetic location: 15q21.2.
Variant type: single nucleotide variant.
Coding change: c.399G>T on transcript NM_001378457.1 (MANE Select); coding-DNA position 399, G replaced by T.
Protein change: p.Gln133His; replaces glutamine 133 with histidine.
Molecular consequence: missense variant. On other transcripts: non-coding transcript variant (2).
Genome position (GRCh38, 1-based): chr15:51,564,226, C>A on the plus strand (G>T on the coding strand, the complement: DMXL2 is on the minus strand). VCF-style: chr15-51564226-C-A. GRCh37 (hg19) VCF-style: chr15-51856423-C-A.
Other names: c.399G>T, p.Gln133His (NM_001174116.3, NM_001174117.3, NM_001378458.1 and 7 more transcripts); c.399G>T (NM_001174116.1); short protein forms Q133H.
Identifiers: ClinVar variation 1356706 (VCV001356706.7), dbSNP rs2141043683, ClinGen allele CA392756510.

ClinVar aggregate classification (germline): Uncertain significance. Review status: criteria provided, multiple submitters, no conflicts (2 of 4 stars). 3 submissions from 3 submitters: Uncertain significance (3). Last evaluated 2024-06-11.

Conditions:
Inborn genetic diseases. Identifiers: MedGen C0950123, MeSH D030342.

Submissions (3):

Blueprint Genetics
Classification: Uncertain significance. Last evaluated: 2024-06-11. Review status: criteria provided, single submitter. Criteria: ACMG Guidelines, 2015. Collection method: clinical testing. Allele origin: germline.

Labcorp Genetics (formerly Invitae), Labcorp
Classification: Uncertain significance. Last evaluated: 2022-07-19. Review status: criteria provided, single submitter. Criteria: Invitae Variant Classification Sherloc (09022015). Collection method: clinical testing. Allele origin: germline.
Comment: This sequence change replaces glutamine, which is neutral and polar, with histidine, which is basic and polar, at codon 133 of the DMXL2 protein (p.Gln133His). This variant is not present in population databases (gnomAD no frequency). This variant has not been reported in the literature in individuals affected with DMXL2-related conditions. ClinVar contains an entry for this variant (Variation ID: 1356706). Algorithms developed to predict the effect of missense changes on protein structure and function are either unavailable or do not agree on the potential impact of this missense change (SIFT: "Tolerated"; PolyPhen-2: "Probably Damaging"; Align-GVGD: "Class C0"). Algorithms developed to predict the effect of sequence changes on RNA splicing suggest that this variant may create or strengthen a splice site. In summary, the available evidence is currently insufficient to determine the role of this variant in disease. Therefore, it has been classified as a Variant of Uncertain Significance.

Ambry Genetics
Classification: Uncertain significance for Inborn genetic diseases. Last evaluated: 2022-04-27. Review status: criteria provided, single submitter. Criteria: Ambry Variant Classification Scheme 2023. Collection method: clinical testing. Allele origin: germline.